The following is an entry in ClinVar:

ClinVar aggregate classification (germline): Uncertain significance (1 of 4 stars; one submission).

Conditions:
Inborn genetic diseases. Identifiers: MedGen C0950123, MeSH D030342.

gnomAD v4.1: 1 of 1,613,562 alleles (0.000062%); highest among the groups gnomAD compares: Non-Finnish European, 0.000085%; no homozygotes.

Submission:

Ambry Genetics
Classification: Uncertain significance for Inborn genetic diseases. Last evaluated: 2025-11-29. Review status: criteria provided, single submitter. Criteria: Ambry Variant Classification Scheme 2023. Collection method: clinical testing. Allele origin: germline.
Comment: The p.S694C variant (also known as c.2081C>G), located in coding exon 1 of the SAMD9L gene, results from a C to G substitution at nucleotide position 2081. The serine at codon 694 is replaced by cysteine, an amino acid with dissimilar properties. This amino acid position is conserved. In addition, this alteration is predicted to be tolerated by in silico analysis. Based on the available evidence, the clinical significance of this variant remains unclear.

NM_152703.5(SAMD9L):c.2081C>G (p.Ser694Cys)

Gene: SAMD9L (sterile alpha motif domain containing 9 like; minus strand). Cytogenetic location: 7q21.2.
Variant type: single nucleotide variant.
Coding change: c.2081C>G on transcript NM_152703.5 (MANE Select); coding-DNA position 2081, C replaced by G.
Protein change: p.Ser694Cys; replaces serine 694 with cysteine.
Molecular consequence: missense variant.
Genome position (GRCh38, 1-based): chr7:93,133,891, G>C on the plus strand (C>G on the coding strand, the complement: SAMD9L is on the minus strand). VCF-style: chr7-93133891-G-C. GRCh37 (hg19) VCF-style: chr7-92763204-G-C.
Other names: c.2081C>G, p.Ser694Cys (NM_001303496.3, NM_001303497.3, NM_001303498.3 and 5 more transcripts); short protein forms S694C.
Identifiers: ClinVar variation 4630146 (VCV004630146.1).